The following is an entry in ClinVar:

NM_139027.6(ADAMTS13):c.903T>C (p.Pro301=)

Gene: ADAMTS13 (ADAM metallopeptidase with thrombospondin type 1 motif 13; plus strand). Cytogenetic location: 9q34.2.
Variant type: single nucleotide variant.
Coding change: c.903T>C on transcript NM_139027.6 (MANE Select); coding-DNA position 903, T replaced by C.
Protein change: p.Pro301=; no amino-acid change (proline 301 retained).
Molecular consequence: synonymous variant. On other transcripts: intron variant (1).
Genome position (GRCh38, 1-based): chr9:133,430,017, T>C. VCF-style: chr9-133430017-T-C. GRCh37 (hg19) VCF-style: chr9-136295137-T-C.
Other names: c.903T>C, p.Pro301= (NM_139025.5); c.825-15T>C (NM_139026.6).
Identifiers: ClinVar variation 2892333 (VCV002892333.5), dbSNP rs377143536, ClinGen allele CA200924776.

ClinVar aggregate classification (germline): Likely benign. Review status: criteria provided, single submitter (1 of 4 stars). 2 submissions from 2 submitters: Likely benign (1). 1 of the submissions does not count toward it. Last evaluated 2022-11-08.

Conditions:
ADAMTS13-related disorder. Also called: ADAMTS13-related condition.

Allele frequency attached by ClinVar (database versions not stated): ExAC 0.00006; ESP Exome Variant Server 0.00008; 1000 Genomes Project 30x 0.00016.
gnomAD v4.1: 18 of 1,588,012 alleles (0.0011%); highest among the groups gnomAD compares: African/African-American, 0.023%; no homozygotes.

Submissions (2):

Labcorp Genetics (formerly Invitae), Labcorp
Classification: Likely benign. Last evaluated: 2022-11-08. Review status: criteria provided, single submitter. Criteria: Invitae Variant Classification Sherloc (09022015). Collection method: clinical testing. Allele origin: germline.

PreventionGenetics, part of Exact Sciences
Classification: Likely benign for ADAMTS13-related condition. Last evaluated: 2023-03-29. Review status: no assertion criteria provided. Collection method: clinical testing. Allele origin: germline. Not counted in ClinVar's aggregate classification.
Comment: This variant is classified as likely benign based on ACMG/AMP sequence variant interpretation guidelines (Richards et al. 2015 PMID: 25741868, with internal and published modifications).